The following is an entry in ClinVar:

NM_031935.3(HMCN1):c.15049C>G (p.Pro5017Ala)

Gene: HMCN1 (hemicentin 1; plus strand). Cytogenetic location: 1q31.1.
Variant type: single nucleotide variant.
Coding change: c.15049C>G on transcript NM_031935.3 (MANE Select); coding-DNA position 15049, C replaced by G.
Protein change: p.Pro5017Ala; replaces proline 5017 with alanine.
Molecular consequence: missense variant.
Genome position (GRCh38, 1-based): chr1:186,153,780, C>G. VCF-style: chr1-186153780-C-G. GRCh37 (hg19) VCF-style: chr1-186122912-C-G.
Other names: short protein forms P5017A.
Identifiers: ClinVar variation 1939640 (VCV001939640.5), dbSNP rs1650818512, ClinGen allele CA343923326.

ClinVar aggregate classification (germline): Uncertain significance (1 of 4 stars; one submission).

Submission:

Labcorp Genetics (formerly Invitae), Labcorp
Classification: Uncertain significance. Last evaluated: 2022-09-27. Review status: criteria provided, single submitter. Criteria: Invitae Variant Classification Sherloc (09022015). Collection method: clinical testing. Allele origin: germline.
Comment: This sequence change replaces proline, which is neutral and non-polar, with alanine, which is neutral and non-polar, at codon 5017 of the HMCN1 protein (p.Pro5017Ala). This variant is not present in population databases (gnomAD no frequency). This variant has not been reported in the literature in individuals affected with HMCN1-related conditions. Algorithms developed to predict the effect of missense changes on protein structure and function output the following: SIFT: "Deleterious"; PolyPhen-2: "Benign"; Align-GVGD: "Class C25". The alanine amino acid residue is found in multiple mammalian species, which suggests that this missense change does not adversely affect protein function. In summary, the available evidence is currently insufficient to determine the role of this variant in disease. Therefore, it has been classified as a Variant of Uncertain Significance.